The following is an entry in ClinVar:

NM_003640.5(ELP1):c.3643G>A (p.Asp1215Asn)

Gene: ELP1 (elongator acetyltransferase complex subunit 1; minus strand). Cytogenetic location: 9q31.3.
Variant type: single nucleotide variant.
Coding change: c.3643G>A on transcript NM_003640.5 (MANE Select); coding-DNA position 3643, G replaced by A.
Protein change: p.Asp1215Asn; replaces aspartic acid 1215 with asparagine.
Molecular consequence: missense variant.
Genome position (GRCh38, 1-based): chr9:108,878,680, C>T on the plus strand (G>A on the coding strand, the complement: ELP1 is on the minus strand). VCF-style: chr9-108878680-C-T. GRCh37 (hg19) VCF-style: chr9-111640960-C-T.
Other names: c.3301G>A, p.Asp1101Asn (NM_001318360.2); c.2596G>A, p.Asp866Asn (NM_001330749.2); short protein forms D1101N, D1215N, D866N.
Identifiers: ClinVar variation 1800438 (VCV001800438.4), dbSNP rs781102903, ClinGen allele CA5174224.

ClinVar aggregate classification (germline): Uncertain significance. Review status: criteria provided, multiple submitters, no conflicts (2 of 4 stars). 2 submissions from 2 submitters: Uncertain significance (2). Last evaluated 2022-08-12.

Allele frequency attached by ClinVar (database versions not stated): ExAC 0.00006.
gnomAD v4.1: 23 of 1,614,212 alleles (0.0014%); highest among the groups gnomAD compares: South Asian, 0.025%; no homozygotes.

Submissions (2):

Labcorp Genetics (formerly Invitae), Labcorp
Classification: Uncertain significance. Last evaluated: 2022-08-12. Review status: criteria provided, single submitter. Criteria: Invitae Variant Classification Sherloc (09022015). Collection method: clinical testing. Allele origin: germline.
Comment: This sequence change replaces aspartic acid, which is acidic and polar, with asparagine, which is neutral and polar, at codon 1215 of the ELP1 protein (p.Asp1215Asn). This variant is present in population databases (rs781102903, gnomAD 0.04%). This variant has not been reported in the literature in individuals affected with ELP1-related conditions. Algorithms developed to predict the effect of missense changes on protein structure and function are either unavailable or do not agree on the potential impact of this missense change (SIFT: "Tolerated"; PolyPhen-2: "Possibly Damaging"; Align-GVGD: "Class C0"). In summary, the available evidence is currently insufficient to determine the role of this variant in disease. Therefore, it has been classified as a Variant of Uncertain Significance.

Ambry Genetics
Classification: Uncertain significance. Last evaluated: 2019-11-01. Review status: criteria provided, single submitter. Criteria: Ambry Variant Classification Scheme 2023. Collection method: clinical testing. Allele origin: germline.
Comment: The p.D1215N variant (also known as c.3643G>A), located in coding exon 33 of the IKBKAP gene, results from a G to A substitution at nucleotide position 3643. The aspartic acid at codon 1215 is replaced by asparagine, an amino acid with highly similar properties. This amino acid position is not well conserved in available vertebrate species. In addition, this alteration is predicted to be tolerated by in silico analysis. Since supporting evidence is limited at this time, the clinical significance of this alteration remains unclear.